The following is an entry in ClinVar:

NM_001039660.2(IL18BP):c.181G>A (p.Ala61Thr)

Gene: IL18BP (interleukin 18 binding protein; plus strand). Cytogenetic location: 11q13.4.
Variant type: single nucleotide variant.
Coding change: c.181G>A on transcript NM_001039660.2 (MANE Select); coding-DNA position 181, G replaced by A.
Protein change: p.Ala61Thr; replaces alanine 61 with threonine.
Molecular consequence: missense variant.
Genome position (GRCh38, 1-based): chr11:72,000,503, G>A. VCF-style: chr11-72000503-G-A. GRCh37 (hg19) VCF-style: chr11-71711549-G-A.
Other names: c.181G>A, p.Ala61Thr (NM_001039659.2, NM_001145055.1, NM_001145057.1 and 3 more transcripts); short protein forms A61T.
Identifiers: ClinVar variation 4739640 (VCV004739640.1).

ClinVar aggregate classification (germline): Uncertain significance (1 of 4 stars; one submission).

Submission:

Labcorp Genetics (formerly Invitae), Labcorp
Classification: Uncertain significance. Last evaluated: 2025-03-26. Review status: criteria provided, single submitter. Criteria: Invitae Variant Classification Sherloc (09022015). Collection method: clinical testing. Allele origin: germline.
Comment: This sequence change replaces alanine, which is neutral and non-polar, with threonine, which is neutral and polar, at codon 61 of the IL18BP protein (p.Ala61Thr). This variant is present in population databases (no rsID available, gnomAD 0.0009%). This variant has not been reported in the literature in individuals affected with IL18BP-related conditions. An algorithm developed to predict the effect of missense changes on protein structure and function outputs the following: PolyPhen-2: "Benign". The threonine amino acid residue is found in multiple mammalian species, which suggests that this missense change does not adversely affect protein function. In summary, the available evidence is currently insufficient to determine the role of this variant in disease. Therefore, it has been classified as a Variant of Uncertain Significance.